The following is an entry in ClinVar:

NM_003327.4(TNFRSF4):c.308A>G (p.Gln103Arg)

Gene: TNFRSF4 (TNF receptor superfamily member 4; minus strand). Cytogenetic location: 1p36.33.
Variant type: single nucleotide variant.
Coding change: c.308A>G on transcript NM_003327.4 (MANE Select); coding-DNA position 308, A replaced by G.
Protein change: p.Gln103Arg; replaces glutamine 103 with arginine.
Molecular consequence: missense variant.
Genome position (GRCh38, 1-based): chr1:1,213,054, T>C on the plus strand (A>G on the coding strand, the complement: TNFRSF4 is on the minus strand). VCF-style: chr1-1213054-T-C. GRCh37 (hg19) VCF-style: chr1-1148434-T-C.
Other names: short protein forms Q103R.
Identifiers: ClinVar variation 1398239 (VCV001398239.9), dbSNP rs769195529, ClinGen allele CA512534.
Genomic context (GRCh38, chr1:1,213,054, plus strand): 5'-ACTCCAGGCTTGTAGCTGTCCAGGGGCTGGGTGCCCGCCCGGCAGCGGCAGACTGTGTCC[T>C]GTGTGGCCGTGCACAGCTGCTTCCGCTCACTCCCACTTCCTGAGCAGGGGCCGGATGGGG-3'
Protein context (NP_003318.1, residues 93-113): SERKQLCTAT[Gln103Arg]DTVCRCRAGT

ClinVar aggregate classification (germline): Uncertain significance (1 of 4 stars; one submission).

Conditions:
Combined immunodeficiency due to OX40 deficiency. Also called: OX40 DEFICIENCY; Immunodeficiency 16. Identifiers: Orphanet 431149, MedGen C3810053, MONDO:0014268, OMIM 615593.

Allele frequency attached by ClinVar (database versions not stated): ExAC 0.00002; gnomAD exomes 0.00002; TOPMed 0.00002; gnomAD 0.00003 and 0.00004.
gnomAD v4.1: 28 of 1,611,156 alleles (0.0017%); highest among the groups gnomAD compares: Non-Finnish European, 0.0024%; no homozygotes.

Submission:

Labcorp Genetics (formerly Invitae), Labcorp
Classification: Uncertain significance for Combined immunodeficiency due to OX40 deficiency. Last evaluated: 2024-10-16. Review status: criteria provided, single submitter. Criteria: Invitae Variant Classification Sherloc (09022015). Collection method: clinical testing. Allele origin: germline.
Comment: This sequence change replaces glutamine, which is neutral and polar, with arginine, which is basic and polar, at codon 103 of the TNFRSF4 protein (p.Gln103Arg). This variant is present in population databases (rs769195529, gnomAD 0.004%). This variant has not been reported in the literature in individuals affected with TNFRSF4-related conditions. ClinVar contains an entry for this variant (Variation ID: 1398239). Invitae Evidence Modeling of protein sequence and biophysical properties (such as structural, functional, and spatial information, amino acid conservation, physicochemical variation, residue mobility, and thermodynamic stability) indicates that this missense variant is not expected to disrupt TNFRSF4 protein function with a negative predictive value of 80%. In summary, the available evidence is currently insufficient to determine the role of this variant in disease. Therefore, it has been classified as a Variant of Uncertain Significance.